The following is an entry in ClinVar:

NM_005902.4(SMAD3):c.167C>G (p.Thr56Ser)

Gene: SMAD3 (SMAD family member 3; plus strand). Cytogenetic location: 15q22.33.
Variant type: single nucleotide variant.
Coding change: c.167C>G on transcript NM_005902.4 (MANE Select); coding-DNA position 167, C replaced by G.
Protein change: p.Thr56Ser; replaces threonine 56 with serine.
Molecular consequence: missense variant.
Genome position (GRCh38, 1-based): chr15:67,066,321, C>G. VCF-style: chr15-67066321-C-G. GRCh37 (hg19) VCF-style: chr15-67358659-C-G.
Other names: c.167C>G, p.Thr56Ser (NM_001407011.1, NM_001407012.1, NM_001407013.1); short protein forms T56S.
Identifiers: ClinVar variation 2574885 (VCV002574885.3), dbSNP rs2140189102, ClinGen allele CA393203042.
Genomic context (GRCh38, chr15:67,066,321, plus strand): 5'-AGAGCCTGGTCAAGAAACTCAAGAAGACGGGGCAGCTGGACGAGCTGGAGAAGGCCATCA[C>G]CACGCAGAACGTCAACACCAAGTGCATCACCATCCCCAGGTGGGGGCCCGCCCGGGGGGG-3'
Protein context (NP_005893.1, residues 46-66): GQLDELEKAI[Thr56Ser]TQNVNTKCIT

ClinVar aggregate classification (germline): Uncertain significance. Review status: criteria provided, multiple submitters, no conflicts (2 of 4 stars). 2 submissions from 2 submitters: Uncertain significance (2). Last evaluated 2024-12-04.

Conditions:
SMAD3-related disorder. Also called: SMAD3-related condition.

Submissions (2):

PreventionGenetics, part of Exact Sciences
Classification: Uncertain significance for SMAD3-related condition. Last evaluated: 2024-12-04. Review status: criteria provided, single submitter. Criteria: ACMG Guidelines, 2015. Collection method: clinical testing. Allele origin: germline.
Comment: The SMAD3 c.167C>G variant is predicted to result in the amino acid substitution p.Thr56Ser. To our knowledge, this variant has not been reported in the literature or in a large population database (gnomAD), indicating this variant is rare. At this time, the clinical significance of this variant is uncertain due to the absence of conclusive functional and genetic evidence.

GeneDx
Classification: Uncertain significance. Last evaluated: 2023-10-13. Review status: criteria provided, single submitter. Criteria: GeneDx Variant Classification Process June 2021. Collection method: clinical testing. Allele origin: germline. Affected: yes.
Comment: Not observed at significant frequency in large population cohorts (gnomAD); In silico analysis supports that this missense variant does not alter protein structure/function; Has not been previously published as pathogenic or benign to our knowledge